The following is an entry in ClinVar:

ClinVar aggregate classification (germline): Conflicting classifications of pathogenicity. Review status: criteria provided, conflicting classifications (1 of 4 stars). 5 submissions from 5 submitters: Likely pathogenic (2); Uncertain significance (1). 2 of the submissions do not count toward it. Last evaluated 2025-12-11.

Conditions:
Tay-Sachs disease (TSD). Also called: HEXA DEFICIENCY; Hexosaminidase A Deficiency; HEXA Disorders; GM2 gangliosidosis, type 1; Hexosaminidase alpha-subunit deficiency (variant B); Sphingolipidosis, Tay-Sachs. Identifiers: Orphanet 845, MedGen C0039373, MONDO:0010100, OMIM 272800.

Allele frequency attached by ClinVar (database versions not stated): gnomAD exomes below 0.00001; TOPMed below 0.00001.
gnomAD v4.1: 3 of 1,613,202 alleles (0.00019%); highest among the groups gnomAD compares: Non-Finnish European, 0.00017%; no homozygotes.

Submissions (5):

Women's Health and Genetics/Laboratory Corporation of America, LabCorp
Classification: Uncertain significance. Last evaluated: 2025-12-11. Review status: criteria provided, single submitter. Criteria: LabCorp Variant Classification Summary - May 2015. Collection method: clinical testing. Allele origin: germline.
Comment: Variant summary: HEXA c.611A>G (p.His204Arg) results in a non-conservative amino acid change in the encoded protein sequence. Algorithms developed to predict the effect of missense changes on protein structure and function all suggest that this variant is likely to be disruptive. The variant was absent in 251484 control chromosomes. c.611A>G has been observed in individuals affected with Tay-Sachs Disease (Akli_1993, Kern_2024). These data indicate that the variant may be associated with disease. To our knowledge, no experimental evidence demonstrating an impact on protein function has been reported. The following publications have been ascertained in the context of this evaluation (PMID: 8490625, 38165373, 16698036, 18490185). ClinVar contains an entry for this variant (Variation ID: 3931). Based on the evidence outlined above, the variant was classified as VUS-possibly pathogenic.

Mendelics
Classification: Likely pathogenic for Tay-Sachs disease. Last evaluated: 2022-05-04. Review status: criteria provided, single submitter. Criteria: Mendelics Assertion Criteria 2019. Collection method: clinical testing. Allele origin: germline.

CeGaT Center for Human Genetics Tuebingen
Classification: Likely pathogenic. Last evaluated: 2022-03-01. Review status: criteria provided, single submitter. Criteria: CeGaT Center For Human Genetics Tuebingen Variant Classification Criteria Version 2. Collection method: clinical testing. Allele origin: germline. Affected: yes. Observed: 1 variant allele.
Comment: HEXA: PM2, PM3, PP3, PP4

Counsyl
Classification: Uncertain significance for Tay-Sachs disease. Last evaluated: 2017-06-14. Review status: no assertion criteria provided. Collection method: clinical testing. Allele origin: unknown. Not counted in ClinVar's aggregate classification.

OMIM
Classification: Pathogenic for TAY-SACHS DISEASE. Last evaluated: 1993-01-01. Review status: no assertion criteria provided. Collection method: literature only. Allele origin: germline. Not counted in ClinVar's aggregate classification.

Literature cited by the submitters: PubMed 18490185 (cited by Women's Health and Genetics/Laboratory Corporation of America, LabCorp and Counsyl); PubMed 8490625 (cited by 3 submitters); PubMed 16698036 (cited by Women's Health and Genetics/Laboratory Corporation of America, LabCorp and Counsyl); PubMed 38165373 (cited by Women's Health and Genetics/Laboratory Corporation of America, LabCorp).

NM_000520.6(HEXA):c.611A>G (p.His204Arg)

Gene: HEXA (hexosaminidase subunit alpha; minus strand). Cytogenetic location: 15q23.
Variant type: single nucleotide variant.
Coding change: c.611A>G on transcript NM_000520.6 (MANE Select); coding-DNA position 611, A replaced by G.
Protein change: p.His204Arg; replaces histidine 204 with arginine.
Molecular consequence: missense variant. On other transcripts: non-coding transcript variant (1).
Genome position (GRCh38, 1-based): chr15:72,351,194, T>C on the plus strand (A>G on the coding strand, the complement: HEXA is on the minus strand). VCF-style: chr15-72351194-T-C. GRCh37 (hg19) VCF-style: chr15-72643535-T-C.
Other names: c.644A>G, p.His215Arg (NM_001318825.2); short protein forms H204R, H215R.
Identifiers: ClinVar variation 3931 (VCV000003931.185), dbSNP rs121907976, ClinGen allele CA252930.